The following is an entry in ClinVar:

NM_006852.6(TLK2):c.27C>T (p.Asp9=)

Gene: TLK2 (tousled like kinase 2; plus strand). Cytogenetic location: 17q23.2.
Variant type: single nucleotide variant.
Coding change: c.27C>T on transcript NM_006852.6 (MANE Select); coding-DNA position 27, C replaced by T.
Protein change: p.Asp9=; no amino-acid change (aspartic acid 9 retained).
Molecular consequence: synonymous variant. On other transcripts: 5 prime UTR variant (2).
Genome position (GRCh38, 1-based): chr17:62,481,152, C>T. VCF-style: chr17-62481152-C-T. GRCh37 (hg19) VCF-style: chr17-60558513-C-T.
Other names: c.27C>T, p.Asp9= (NM_001284333.3, NM_001284363.1, NM_001375270.1 and 3 more transcripts); c.-471C>T (NM_001330418.3, NM_001375273.1); c.165C>T, p.Asp55= (NM_001375269.1).
Identifiers: ClinVar variation 2648026 (VCV002648026.24), dbSNP rs1225584226, ClinGen allele CA501164596.
Genomic context (GRCh38, chr17:62,481,152, plus strand): 5'-GGTTTCACAGCCTACTTTTTCTTTTTCAGCAGAAATGATGGAAGAATTGCATAGCCTGGA[C>T]CCACGACGGCAGGAATTATTGGAGGCCAGGTTTACTGGAGTAGGTGTTAGTAAGGTGAGT-3'
Protein context (NP_006843.2, residues 1-19): MMEELHSL[Asp9=]PRRQELLEAR

ClinVar aggregate classification (germline): Likely benign (1 of 4 stars; one submission).

Allele frequency attached by ClinVar (database versions not stated): gnomAD exomes 0.00001.
gnomAD v4.1: 4 of 1,613,816 alleles (0.00025%); highest among the groups gnomAD compares: Non-Finnish European, 0.00034%; no homozygotes.

Submission:

CeGaT Center for Human Genetics Tuebingen
Classification: Likely benign. Last evaluated: 2022-06-01. Review status: criteria provided, single submitter. Criteria: CeGaT Center For Human Genetics Tuebingen Variant Classification Criteria Version 2. Collection method: clinical testing. Allele origin: germline. Affected: yes. Observed: 1 variant allele.
Comment: TLK2: BP4, BP7